The following is an entry in ClinVar:

ClinVar aggregate classification (germline): Conflicting classifications of pathogenicity. Review status: criteria provided, conflicting classifications (1 of 4 stars). 12 submissions from 12 submitters: Uncertain significance (5); Likely benign (4). 3 of the submissions do not count toward it. Last evaluated 2025-11-05.

Conditions:
Hereditary breast ovarian cancer syndrome. Also called: Hereditary breast and ovarian cancer syndrome; Hereditary breast and ovarian cancer; Hereditary breast and ovarian cancer syndrome (HBOC); Breast and ovarian cancer; Hereditary breast and/or ovarian cancer syndrome; BRCA1- and BRCA2-Associated Hereditary Breast and Ovarian Cancer. Identifiers: Orphanet 145, MedGen C0677776, MeSH D061325, MONDO:0003582. Disease mechanism: loss of function.
BRCA2-related disorder. Also called: BRCA2-related condition; BRCA2-related disorders. Identifiers: MedGen CN239275.
Hereditary cancer-predisposing syndrome. Also called: Neoplastic Syndromes, Hereditary; Tumor predisposition; Hereditary Cancer Syndrome; Hereditary neoplastic syndrome. Identifiers: Orphanet 140162, MedGen C0027672, MeSH D009386, MONDO:0015356.
Breast-ovarian cancer, familial, susceptibility to, 2 (BROVCA2). Also called: BRCA2 Hereditary Breast and Ovarian Cancer. Identifiers: Orphanet 145, MedGen C2675520, MONDO:0012933, OMIM 612555. Disease mechanism: loss of function.
BRCA2-related cancer predisposition. Identifiers: MedGen CN377758, MONDO:0700269.
Familial cancer of breast. Also called: BREAST CANCER, FAMILIAL; Hereditary breast cancer; hereditary breast carcinoma. Identifiers: Orphanet 227535, MedGen C0346153, MONDO:0016419, OMIM 114480. Disease mechanism: loss of function.

gnomAD v4.1: 9 of 1,614,056 alleles (0.00056%); highest among the groups gnomAD compares: Non-Finnish European, 0.00059%; no homozygotes.

Submissions (12):

Labcorp Genetics (formerly Invitae), Labcorp
Classification: Uncertain significance for Hereditary breast ovarian cancer syndrome. Last evaluated: 2025-11-05. Review status: criteria provided, single submitter. Criteria: Invitae Variant Classification Sherloc (09022015). Collection method: clinical testing. Allele origin: germline.
Comment: This sequence change replaces leucine, which is neutral and non-polar, with valine, which is neutral and non-polar, at codon 709 of the BRCA2 protein (p.Leu709Val). This variant is present in population databases (rs80358489, gnomAD 0.0009%). This missense change has been observed in individual(s) with breast and/or ovarian cancer (PMID: 15937982, 16758124). ClinVar contains an entry for this variant (Variation ID: 51247). Invitae Evidence Modeling of protein sequence and biophysical properties (such as structural, functional, and spatial information, amino acid conservation, physicochemical variation, residue mobility, and thermodynamic stability) indicates that this missense variant is not expected to disrupt BRCA2 protein function with a negative predictive value of 95%. In summary, the available evidence is currently insufficient to determine the role of this variant in disease. Therefore, it has been classified as a Variant of Uncertain Significance.

Women's Health and Genetics/Laboratory Corporation of America, LabCorp
Classification: Uncertain significance. Last evaluated: 2025-02-13. Review status: criteria provided, single submitter. Criteria: LabCorp Variant Classification Summary - May 2015. Collection method: clinical testing. Allele origin: germline.
Comment: Variant summary: BRCA2 c.2125C>G (p.Leu709Val) results in a conservative amino acid change in the encoded protein sequence. Five of five in-silico tools predict a benign effect of the variant on protein function. In addition, a report from the CAGI5 (fifth Critical Assessment of Genome Interpretation) challenge has classified this variant as likely benign in a prediction protocol that includes assessment of the impact of this variant on splicing and protein function using four sets of predictors (Padilla_2019, Cline_2019). The variant allele was found at a frequency of 1.2e-05 in 250930 control chromosomes (gnomAD). The available data on variant occurrences in the general population are insufficient to allow any conclusion about variant significance. c.2125C>G has been reported in the literature in individuals affected with a personal and/or family history of breast/ovarian cancer (e.g. Velasco_2005, Infante_2006, Dorling_2021), but was also found in controls (e.g. Dorling_2021). These reports do not provide unequivocal conclusions about association of the variant with Hereditary Breast And Ovarian Cancer Syndrome. To our knowledge, no experimental evidence demonstrating an impact on protein function has been reported. The following publications have been ascertained in the context of this evaluation (PMID: 16758124, 33471991, 31112341, 31294896, 15937982). ClinVar contains an entry for this variant (Variation ID: 51247). Based on the evidence outlined above, the variant was classified as uncertain significance.

Color Diagnostics, LLC DBA Color Health
Classification: Likely benign for Hereditary cancer-predisposing syndrome. Last evaluated: 2024-12-11. Review status: criteria provided, single submitter. Criteria: ACMG Guidelines, 2015. Collection method: clinical testing. Allele origin: germline.

All of Us Research Program, National Institutes of Health
Classification: Uncertain significance for BRCA2-related cancer predisposition. Last evaluated: 2024-05-09. Review status: criteria provided, single submitter. Criteria: ACMG Guidelines, 2015. Collection method: clinical testing. Allele origin: germline. Inheritance: Autosomal dominant inheritance. Observed: 5 variant alleles, 5 heterozygotes.
Comment: This missense variant replaces leucine with valine at codon 709 of the BRCA2 protein. Computational prediction suggests that this variant may not impact protein structure and function (internally defined REVEL score threshold <= 0.5, PMID: 27666373). To our knowledge, functional studies have not been reported for this variant. This variant has been reported in an individual with a personal or family history of breast and/or ovarian cancer (PMID: 16758124). In a large breast cancer case-control study conducted by the BRIDGES consortium, this variant was reported in 1/60466 cases and 2/53461 controls (PMID: 33471991 ; Leiden Open Variation Database DB-ID BRCA2_005967). This variant has been identified in 3/250930 chromosomes in the general population by the Genome Aggregation Database (gnomAD). The available evidence is insufficient to determine the role of this variant in disease conclusively. Therefore, this variant is classified as a Variant of Uncertain Significance.

This study involves interpretation of variants in research participants for the purpose of population health screening. Participant phenotype was not available at the time of variant classification. Additional details can be found in publication PMID: 35346344, PMCID: PMC8962531

PreventionGenetics, part of Exact Sciences
Classification: Uncertain significance for BRCA2-related condition. Last evaluated: 2023-04-24. Review status: criteria provided, single submitter. Criteria: ACMG Guidelines, 2015. Collection method: clinical testing. Allele origin: germline.
Comment: The BRCA2 c.2125C>G variant is predicted to result in the amino acid substitution p.Leu709Val. This variant was previously reported in a large breast cancer cohort (Infante et al. 2006. PubMed ID: 16758124, reported as c.2353C>G/L709V). This variant is reported in 0.0026% of alleles in individuals of European (Non-Finnish) descent in gnomAD. In the ClinVar database, this variant has conflicting interpretations of 'likely benign' and 'uncertain' by outside laboratories. At this time, the clinical significance of this variant is uncertain due to the absence of conclusive functional and genetic evidence.

University of Washington Department of Laboratory Medicine, University of Washington
Classification: Likely benign for Hereditary cancer-predisposing syndrome. Last evaluated: 2023-03-23. Review status: criteria provided, single submitter. Criteria: Dines et al. (Genet Med. 2020). Collection method: curation. Allele origin: germline.
Comment: Missense variant in a coldspot region where missense variants are very unlikely to be pathogenic (PMID:31911673).

BRCA2 exon 11 coldspot. Reclassification based on statistical prior probability.

Department of Pathology and Laboratory Medicine, Sinai Health System
Classification: Uncertain significance for Familial cancer of breast; Breast-ovarian cancer, familial, susceptibility to, 2. Last evaluated: 2023-02-27. Review status: criteria provided, single submitter. Criteria: ACMG Guidelines, 2015. Collection method: clinical testing. Allele origin: germline. Affected: yes.

GeneDx
Classification: Likely benign. Last evaluated: 2020-08-17. Review status: criteria provided, single submitter. Criteria: GeneDx Variant Classification Process June 2021. Collection method: clinical testing. Allele origin: germline. Affected: yes.
Comment: Not observed at a significant frequency in large population cohorts (Lek et al., 2016); In silico analysis supports that this missense variant does not alter protein structure/function; This variant is associated with the following publications: (PMID: 31131967, 10923033, 23718828, 16758124, 15937982)

Ambry Genetics
Classification: Likely benign for Hereditary cancer-predisposing syndrome. Last evaluated: 2018-02-28. Review status: criteria provided, single submitter. Criteria: Ambry Variant Classification Scheme 2023. Collection method: clinical testing. Allele origin: germline.

Breast Cancer Information Core (BIC) (BRCA2)
Classification: Uncertain significance for Breast-ovarian cancer, familial 2. Last evaluated: 2002-05-29. Review status: no assertion criteria provided. Collection method: clinical testing. Allele origin: germline. Affected: yes. Observed: 2 variant alleles. Not counted in ClinVar's aggregate classification.

Clinical Genetics DNA and cytogenetics Diagnostics Lab, Erasmus MC, Erasmus Medical Center
Classification: Likely benign. Review status: no assertion criteria provided. Collection method: clinical testing. Allele origin: germline. Affected: yes. Study: VKGL Data-share Consensus. Not counted in ClinVar's aggregate classification.

Joint Genome Diagnostic Labs from Nijmegen and Maastricht, Radboudumc and MUMC+
Classification: Likely benign. Review status: no assertion criteria provided. Collection method: clinical testing. Allele origin: germline. Affected: yes. Study: VKGL Data-share Consensus. Not counted in ClinVar's aggregate classification.

Literature cited by the submitters: PubMed 15937982 (cited by 3 submitters); PubMed 16758124 (cited by 5 submitters); PubMed 31112341 (cited by Women's Health and Genetics/Laboratory Corporation of America, LabCorp); PubMed 31294896 (cited by Women's Health and Genetics/Laboratory Corporation of America, LabCorp); PubMed 33471991 (cited by 3 submitters).

NM_000059.4(BRCA2):c.2125C>G (p.Leu709Val)

Gene: BRCA2 (BRCA2 DNA repair associated; plus strand). Cytogenetic location: 13q13.1.
Variant type: single nucleotide variant.
Coding change: c.2125C>G on transcript NM_000059.4 (MANE Select); coding-DNA position 2125, C replaced by G.
Protein change: p.Leu709Val; replaces leucine 709 with valine.
Molecular consequence: missense variant.
Genome position (GRCh38, 1-based): chr13:32,336,480, C>G. VCF-style: chr13-32336480-C-G. GRCh37 (hg19) VCF-style: chr13-32910617-C-G.
Other names: short protein forms L709V.
Identifiers: ClinVar variation 51247 (VCV000051247.34), dbSNP rs80358489, ClinGen allele CA014396.